The following is an entry in ClinVar:

ClinVar aggregate classification (germline): Uncertain significance (1 of 4 stars; one submission).

Allele frequency attached by ClinVar (database versions not stated): gnomAD exomes below 0.00001.

Submission:

Labcorp Genetics (formerly Invitae), Labcorp
Classification: Uncertain significance. Last evaluated: 2023-01-09. Review status: criteria provided, single submitter. Criteria: Invitae Variant Classification Sherloc (09022015). Collection method: clinical testing. Allele origin: germline.
Comment: This sequence change replaces leucine, which is neutral and non-polar, with phenylalanine, which is neutral and non-polar, at codon 986 of the AP3D1 protein (p.Leu986Phe). This variant is not present in population databases (gnomAD no frequency). This variant has not been reported in the literature in individuals affected with AP3D1-related conditions. Algorithms developed to predict the effect of missense changes on protein structure and function (SIFT, PolyPhen-2, Align-GVGD) all suggest that this variant is likely to be tolerated. In summary, the available evidence is currently insufficient to determine the role of this variant in disease. Therefore, it has been classified as a Variant of Uncertain Significance.

NM_001261826.3(AP3D1):c.2956C>T (p.Leu986Phe)

Gene: AP3D1 (adaptor related protein complex 3 subunit delta 1; minus strand). Cytogenetic location: 19p13.3.
Variant type: single nucleotide variant.
Coding change: c.2956C>T on transcript NM_001261826.3 (MANE Select); coding-DNA position 2956, C replaced by T.
Protein change: p.Leu986Phe; replaces leucine 986 with phenylalanine.
Molecular consequence: missense variant.
Genome position (GRCh38, 1-based): chr19:2,111,314, G>A on the plus strand (C>T on the coding strand, the complement: AP3D1 is on the minus strand). VCF-style: chr19-2111314-G-A. GRCh37 (hg19) VCF-style: chr19-2111313-G-A.
Other names: c.2770C>T, p.Leu924Phe (NM_003938.8); c.2920C>T, p.Leu974Phe (NM_001374799.1); short protein forms L924F, L974F, L986F.
Identifiers: ClinVar variation 2885848 (VCV002885848.3), dbSNP rs2512134993, ClinGen allele CA403203625.